The following is an entry in ClinVar:

ClinVar aggregate classification (germline): Uncertain significance. Review status: criteria provided, single submitter (1 of 4 stars). 2 submissions from 2 submitters: Uncertain significance (1). 1 of the submissions does not count toward it. Last evaluated 2018-05-30.

Conditions:
Decreased circulating carnitine concentration. Also called: Decreased plasma carnitine. Identifiers: MedGen C5848230, HP:0003234.
Renal carnitine transport defect (CDSP). Also called: CARNITINE DEFICIENCY, SYSTEMIC, DUE TO DEFECT IN RENAL REABSORPTION OF CARNITINE; CARNITINE TRANSPORTER, PLASMA-MEMBRANE, DEFICIENCY OF; CARNITINE UPTAKE DEFECT; Carnitine transporter deficiency; Carnitine Deficiency, Systemic; Primary carnitine deficiency. Identifiers: Orphanet 158, MedGen C0342788, MONDO:0008919, OMIM 212140.

Allele frequency attached by ClinVar (database versions not stated): gnomAD exomes 0.00001.
gnomAD v4.1: 10 of 1,573,270 alleles (0.00064%); highest among the groups gnomAD compares: Non-Finnish European, 0.00077%; no homozygotes.

Submissions (2):

Labcorp Genetics (formerly Invitae), Labcorp
Classification: Uncertain significance for Renal carnitine transport defect. Last evaluated: 2018-05-30. Review status: criteria provided, single submitter. Criteria: Invitae Variant Classification Sherloc (09022015). Collection method: clinical testing. Allele origin: germline.
Comment: This variant is not present in population databases (ExAC no frequency). This sequence change replaces isoleucine with valine at codon 89 of the SLC22A5 protein (p.Ile89Val). The isoleucine residue is moderately conserved and there is a small physicochemical difference between isoleucine and valine. This variant has not been reported in the literature in individuals with SLC22A5-related disease. In summary, the available evidence is currently insufficient to determine the role of this variant in disease. Therefore, it has been classified as a Variant of Uncertain Significance. Algorithms developed to predict the effect of missense changes on protein structure and function output the following: SIFT: "Tolerated"; PolyPhen-2: "Benign"; Align-GVGD: "Class C0". The valine amino acid residue is found in multiple mammalian species, suggesting that this missense change does not adversely affect protein function. These predictions have not been confirmed by published functional studies and their clinical significance is uncertain.

Natera, Inc.
Classification: Uncertain significance for Carnitine deficiency. Last evaluated: 2021-01-21. Review status: no assertion criteria provided. Collection method: clinical testing. Allele origin: germline. Not counted in ClinVar's aggregate classification.

NM_003060.4(SLC22A5):c.265A>G (p.Ile89Val)

Gene: SLC22A5 (solute carrier family 22 member 5; plus strand). Cytogenetic location: 5q31.1.
Variant type: single nucleotide variant.
Coding change: c.265A>G on transcript NM_003060.4 (MANE Select); coding-DNA position 265, A replaced by G.
Protein change: p.Ile89Val; replaces isoleucine 89 with valine.
Molecular consequence: missense variant.
Genome position (GRCh38, 1-based): chr5:132,370,237, A>G. VCF-style: chr5-132370237-A-G. GRCh37 (hg19) VCF-style: chr5-131705929-A-G.
Other names: c.265A>G, p.Ile89Val (NM_001308122.2); short protein forms I89V.
Identifiers: ClinVar variation 567955 (VCV000567955.13), dbSNP rs765849408, ClinGen allele CA360802700.